The following is an entry in ClinVar:

ClinVar aggregate classification (germline): Pathogenic. Review status: criteria provided, multiple submitters, no conflicts (2 of 4 stars). 9 submissions from 8 submitters: Pathogenic (5). 4 of the submissions do not count toward it. Last evaluated 2026-08-13.

Conditions:
GUCA1A-related disorders.
Macular dystrophy. Identifiers: MedGen C0730292, HP:0007754.
Retinitis pigmentosa (RP). Identifiers: Orphanet 791, MedGen C0035334, MeSH D012174, MONDO:0019200, OMIM 268000. Inheritance: Autosomal dominant, autosomal recessive and X linked inheritance.
Cone dystrophy 3 (COD3). Also called: RETINAL CONE DYSTROPHY. Identifiers: Orphanet 1872, MedGen C1865869, MONDO:0011193, OMIM 602093.
Retinal disorder. Also called: Retinopathies; Retinal Diseases; Retinal disorders; Retinopathy. Identifiers: MedGen C0035309, MONDO:0005283, HP:0000488.

Allele frequency attached by ClinVar (database versions not stated): gnomAD exomes below 0.00001.

Submissions (9):

Genetics Laboratory, Great Ormond Street Hospital NHS Foundation Trust, North Thames Genomic Laboratory Hub
Classification: Pathogenic for Retinal disorders. Last evaluated: 2026-08-13. Review status: criteria provided, single submitter. Criteria: ACGS Best Practice Guidelines for Variant Classification in Rare Disease 2024 v1.2. Collection method: clinical testing. Allele origin: germline. Affected: yes.
Comment: PS4_moderate, PM2_moderate, PP3_supporting, PS3_supporting, PP1_strong

Institute of Medical Genetics and Applied Genomics, University Hospital Tübingen
Classification: Pathogenic for Cone dystrophy 3. Last evaluated: 2026-01-19. Review status: criteria provided, single submitter. Criteria: ACMG Guidelines, 2015. Collection method: clinical testing. Allele origin: germline. Inheritance: Autosomal dominant inheritance. Affected: yes.

Labcorp Genetics (formerly Invitae), Labcorp
Classification: Pathogenic. Last evaluated: 2025-12-27. Review status: criteria provided, single submitter. Criteria: Invitae Variant Classification Sherloc (09022015). Collection method: clinical testing. Allele origin: germline.
Comment: This sequence change replaces tyrosine, which is neutral and polar, with cysteine, which is neutral and slightly polar, at codon 99 of the GUCA1A protein (p.Tyr99Cys). This variant is not present in population databases (gnomAD no frequency). This missense change has been observed in individual(s) with clinical features of inherited retinal dystrophy (PMID: 9425234, 28041643). It has also been observed to segregate with disease in related individuals. ClinVar contains an entry for this variant (Variation ID: 9150). An algorithm developed to predict the effect of missense changes on protein structure and function (PolyPhen-2) suggests that this variant is likely to be disruptive. Experimental studies have shown that this missense change affects GUCA1A function (PMID: 9651312, 9702199). For these reasons, this variant has been classified as Pathogenic.

Blueprint Genetics
Classification: Pathogenic for GUCA1A-related disorders. Last evaluated: 2022-08-26. Review status: criteria provided, single submitter. Criteria: ACMG Guidelines, 2015. Collection method: clinical testing. Allele origin: germline. Affected: yes. Observed: 5 variant alleles.

GeneDx
Classification: Pathogenic. Last evaluated: 2018-12-27. Review status: criteria provided, single submitter. Criteria: GeneDx Variant Classification (06012015). Collection method: clinical testing. Allele origin: germline. Affected: yes.
Comment: The Y99C pathogenic variant in the GUCA1A gene has been reported in a family diagnosed with autosomal dominant cone dystrophy (Payne et al., 1998). In vivo functional studies suggest that the Y99C pathogenic variant results in a gain of function of the guanylate cyclase-activating protein, which raises free cGMP levels and elevates cytosolic calcium, resulting in photoreceptor degeneration (Dizhoor et al., 1998; Olshevskaya et al., 2004; Stockman et al., 2014). The Y99C pathogenic variant was not observed in approximately 6,500 individuals of European and African American ancestry in the NHLBI Exome Sequencing Project, indicating it is not a common benign variant in these populations. Therefore, we interpret Y99C to be a pathogenic variant.

Clinical Genetics Laboratory, University Hospital Schleswig-Holstein
Classification: Pathogenic for Cone dystrophy 3. Last evaluated: 2022-05-02. Review status: no assertion criteria provided. Collection method: clinical testing. Allele origin: germline. Affected: yes. Not counted in ClinVar's aggregate classification.

NIHR Bioresource Rare Diseases, University of Cambridge
Classification: Likely pathogenic for Macular dystrophy. Last evaluated: 2015-01-01. Review status: no assertion criteria provided. Collection method: research. Allele origin: unknown. Affected: yes. Observed: 1 variant allele. Not counted in ClinVar's aggregate classification.

NIHR Bioresource Rare Diseases, University of Cambridge
Classification: Likely pathogenic for Retinitis pigmentosa. Last evaluated: 2015-01-01. Review status: no assertion criteria provided. Collection method: research. Allele origin: unknown. Affected: yes. Observed: 1 variant allele. Not counted in ClinVar's aggregate classification.

OMIM
Classification: Pathogenic for CONE DYSTROPHY 3. Last evaluated: 2005-08-01. Review status: no assertion criteria provided. Collection method: literature only. Allele origin: germline. Not counted in ClinVar's aggregate classification.

Literature cited by the submitters: PubMed 9425234 (cited by 3 submitters); PubMed 28041643 (cited by Labcorp Genetics (formerly Invitae), Labcorp and NIHR Bioresource Rare Diseases, University of Cambridge); PubMed 9651312 (cited by Labcorp Genetics (formerly Invitae), Labcorp and OMIM); PubMed 9702199 (cited by Labcorp Genetics (formerly Invitae), Labcorp and OMIM); PubMed 15953638 (cited by OMIM).

NM_001384910.1(GUCA1A):c.296A>G (p.Tyr99Cys)

Genes: GUCA1A (guanylate cyclase activator 1A; plus strand), GUCA1ANB-GUCA1A (GUCA1ANB-GUCA1A readthrough; plus strand). Cytogenetic location: 6p21.1.
Variant type: single nucleotide variant.
Coding change: c.296A>G on transcript NM_001384910.1 (MANE Select); coding-DNA position 296, A replaced by G.
Protein change: p.Tyr99Cys; replaces tyrosine 99 with cysteine.
Molecular consequence: missense variant.
Genome position (GRCh38, 1-based): chr6:42,178,374, A>G. VCF-style: chr6-42178374-A-G. GRCh37 (hg19) VCF-style: chr6-42146112-A-G.
Other names: c.296A>G, p.Tyr99Cys (NM_000409.5, NM_001319061.2, NM_001319062.2); short protein forms Y99C.
Identifiers: ClinVar variation 9150 (VCV000009150.18), dbSNP rs104893967, ClinGen allele CA120148.